The following is an entry in ClinVar:

ClinVar aggregate classification (germline): Likely benign (1 of 4 stars; one submission).

Conditions:
Gaze palsy, familial horizontal, with progressive scoliosis 1 (HGPPS1). Identifiers: Orphanet 2744, MedGen C4551964, MONDO:0020790, OMIM 607313.

Allele frequency attached by ClinVar (database versions not stated): gnomAD exomes 0.00013 and 0.00041; ExAC 0.00040; ESP Exome Variant Server 0.00083; gnomAD 0.00148 and 0.00158; 1000 Genomes Project 0.00160; TOPMed 0.00162; 1000 Genomes Project 30x 0.00172.
gnomAD v4.1: 426 of 1,605,212 alleles (0.027%); highest among the groups gnomAD compares: African/African-American, 0.4%; 1 homozygote.

Submission:

Illumina Laboratory Services, Illumina
Classification: Likely benign for Gaze palsy, familial horizontal, with progressive scoliosis 1. Last evaluated: 2018-01-12. Review status: criteria provided, single submitter. Criteria: ICSL Variant Classification Criteria 13 December 2019. Collection method: clinical testing. Allele origin: germline.
Comment: This variant was observed in the ICSL laboratory as part of a predisposition screen in an ostensibly healthy population. It had not been previously curated by ICSL or reported in the Human Gene Mutation Database (HGMD: prior to June 1st, 2018), and was therefore a candidate for classification through an automated scoring system. Utilizing variant allele frequency, disease prevalence and penetrance estimates, and inheritance mode, an automated score was calculated to assess if this variant is too frequent to cause the disease. Based on the score and internal cut-off values, a variant classified as likely benign is not then subjected to further curation. The score for this variant resulted in a classification of likely benign for this disease.

NM_022370.4(ROBO3):c.4150-11T>C

Gene: ROBO3 (roundabout guidance receptor 3; plus strand). Cytogenetic location: 11q24.2.
Variant type: single nucleotide variant.
Coding change: c.4150-11T>C on transcript NM_022370.4 (MANE Select); 11 bases into the intron before coding-DNA position 4150, T replaced by C.
Molecular consequence: intron variant.
Genome position (GRCh38, 1-based): chr11:124,881,228, T>C. VCF-style: chr11-124881228-T-C. GRCh37 (hg19) VCF-style: chr11-124751124-T-C.
Other names: c.1297-11T>C (NM_001370356.1, NM_001370357.1, NM_001370358.1 and 2 more transcripts); c.1102-11T>C (NM_001370364.1, NM_001370366.1).
Identifiers: ClinVar variation 303282 (VCV000303282.5), dbSNP rs200324766, ClinGen allele CA6344397.
Genomic context (GRCh38, chr11:124,881,228, plus strand): 5'-CTGAGCCCTTCCTGGACTTGTTTGCCCTGGGCCAGGGTTTTACAAAACAGCATCTCTCTC[T>C]CTCTCCCTAGGAACCAAGATGACCCTTGTTGGGGCATTGAGAATATCATGAGTGCCACGG-3'